The following is an entry in ClinVar:

NM_000238.4(KCNH2):c.161A>C (p.Tyr54Ser)

Gene: KCNH2 (potassium voltage-gated channel subfamily H member 2; minus strand). Cytogenetic location: 7q36.1.
Variant type: single nucleotide variant.
Coding change: c.161A>C on transcript NM_000238.4 (MANE Select); coding-DNA position 161, A replaced by C.
Protein change: p.Tyr54Ser; replaces tyrosine 54 with serine.
Molecular consequence: missense variant. On other transcripts: 5 prime UTR variant (1), non-coding transcript variant (1).
Genome position (GRCh38, 1-based): chr7:150,974,857, T>G on the plus strand (A>C on the coding strand, the complement: KCNH2 is on the minus strand). VCF-style: chr7-150974857-T-G. GRCh37 (hg19) VCF-style: chr7-150671945-T-G.
Other names: c.-17A>C (NM_001406755.1); c.161A>C, p.Tyr54Ser (NM_172056.3); short protein forms Y54S.
Identifiers: ClinVar variation 3338719 (VCV003338719.2).

ClinVar aggregate classification (germline): Conflicting classifications of pathogenicity. Review status: criteria provided, conflicting classifications (1 of 4 stars). 2 submissions from 2 submitters: Likely pathogenic (1); Uncertain significance (1). Last evaluated 2025-09-23.

Conditions:
Long QT syndrome (LQTS). Identifiers: MedGen C0023976, MeSH D008133, MONDO:0002442. Disease mechanism: loss of function. Inheritance: Various modes of inheritance.

Submissions (2):

Labcorp Genetics (formerly Invitae), Labcorp
Classification: Uncertain significance for Long QT syndrome. Last evaluated: 2025-09-23. Review status: criteria provided, single submitter. Criteria: Invitae Variant Classification Sherloc (09022015). Collection method: clinical testing. Allele origin: germline.
Comment: This sequence change replaces tyrosine, which is neutral and polar, with serine, which is neutral and polar, at codon 54 of the KCNH2 protein (p.Tyr54Ser). This variant is not present in population databases (gnomAD no frequency). This missense change has been observed in individual(s) with long QT syndrome (internal data). ClinVar contains an entry for this variant (Variation ID: 3338719). An algorithm developed to predict the effect of missense changes on protein structure and function (PolyPhen-2) suggests that this variant is likely to be disruptive. In summary, the available evidence is currently insufficient to determine the role of this variant in disease. Therefore, it has been classified as a Variant of Uncertain Significance.

GeneDx
Classification: Likely pathogenic. Last evaluated: 2023-12-22. Review status: criteria provided, single submitter. Criteria: GeneDx Variant Classification Process June 2021. Collection method: clinical testing. Allele origin: germline. Affected: yes.
Comment: Has not been previously published as pathogenic or benign to our knowledge; Not observed at significant frequency in large population cohorts (gnomAD); In silico analysis supports that this missense variant has a deleterious effect on protein structure/function; This variant is associated with the following publications: (PMID: 22396785)